The following is an entry in ClinVar:

ClinVar aggregate classification (germline): Uncertain significance (1 of 4 stars; one submission).

Allele frequency attached by ClinVar (database versions not stated): gnomAD exomes below 0.00001.
gnomAD v4.1: 1 of 1,611,962 alleles (0.000062%); highest among the groups gnomAD compares: South Asian, 0.0011%; no homozygotes.

Submission:

GeneDx
Classification: Uncertain significance. Last evaluated: 2022-06-01. Review status: criteria provided, single submitter. Criteria: GeneDx Variant Classification Process June 2021. Collection method: clinical testing. Allele origin: germline. Affected: yes.
Comment: Has not been previously published as pathogenic or benign to our knowledge; Not observed at significant frequency in large population cohorts (gnomAD); In silico analysis supports that this missense variant does not alter protein structure/function; Not located in the triple helical region, where the majority of pathogenic missense variants occur (HGMD)

NM_001844.5(COL2A1):c.121T>C (p.Tyr41His)

Gene: COL2A1 (collagen type II alpha 1 chain; minus strand). Cytogenetic location: 12q13.11.
Variant type: single nucleotide variant.
Coding change: c.121T>C on transcript NM_001844.5 (MANE Select); coding-DNA position 121, T replaced by C.
Protein change: p.Tyr41His; replaces tyrosine 41 with histidine.
Molecular consequence: missense variant. On other transcripts: intron variant (1).
Genome position (GRCh38, 1-based): chr12:48,000,090, A>G on the plus strand (T>C on the coding strand, the complement: COL2A1 is on the minus strand). VCF-style: chr12-48000090-A-G. GRCh37 (hg19) VCF-style: chr12-48393873-A-G.
Other names: c.86-1659T>C (NM_033150.3); short protein forms Y41H.
Identifiers: ClinVar variation 1802088 (VCV001802088.1), dbSNP rs1592239128, ClinGen allele CA384526662.